The following is an entry in ClinVar:

ClinVar aggregate classification (germline): Likely benign (1 of 4 stars; one submission).

Allele frequency attached by ClinVar (database versions not stated): gnomAD 0.00001.

Submission:

CeGaT Center for Human Genetics Tuebingen
Classification: Likely benign. Last evaluated: 2026-09-01. Review status: criteria provided, single submitter. Criteria: CeGaT Center For Human Genetics Tuebingen Variant Classification Criteria Version 2. Collection method: clinical testing. Allele origin: germline. Affected: yes. Observed: 2 variant alleles.
Comment: MRPL9: BP4, BP7

NM_031420.4(MRPL9):c.597T>G (p.Val199=)

Gene: MRPL9 (mitochondrial ribosomal protein L9; minus strand). Cytogenetic location: 1q21.3.
Variant type: single nucleotide variant.
Coding change: c.597T>G on transcript NM_031420.4 (MANE Select); coding-DNA position 597, T replaced by G.
Protein change: p.Val199=; no amino-acid change (valine 199 retained).
Molecular consequence: synonymous variant. On other transcripts: non-coding transcript variant (1).
Genome position (GRCh38, 1-based): chr1:151,760,891, A>C on the plus strand (T>G on the coding strand, the complement: MRPL9 is on the minus strand). VCF-style: chr1-151760891-A-C. GRCh37 (hg19) VCF-style: chr1-151733367-A-C.
Other names: c.495T>G, p.Val165= (NM_001300733.2).
Identifiers: ClinVar variation 2639181 (VCV002639181.24), dbSNP rs1471493126, ClinGen allele CA420760108.